The following is an entry in ClinVar:

NM_000138.5(FBN1):c.971A>G (p.Asp324Gly)

Gene: FBN1 (fibrillin 1; minus strand). Cytogenetic location: 15q21.1.
Variant type: single nucleotide variant.
Coding change: c.971A>G on transcript NM_000138.5 (MANE Select); coding-DNA position 971, A replaced by G.
Protein change: p.Asp324Gly; replaces aspartic acid 324 with glycine.
Molecular consequence: missense variant.
Genome position (GRCh38, 1-based): chr15:48,526,147, T>C on the plus strand (A>G on the coding strand, the complement: FBN1 is on the minus strand). VCF-style: chr15-48526147-T-C. GRCh37 (hg19) VCF-style: chr15-48818344-T-C.
Other names: short protein forms D324G.
Identifiers: ClinVar variation 1332115 (VCV001332115.3), dbSNP rs763079155, ClinGen allele CA060434.

ClinVar aggregate classification (germline): Uncertain significance (1 of 4 stars; one submission).

Conditions:
Familial thoracic aortic aneurysm and aortic dissection (TAAD). Also called: Thoracic aortic aneurysms and dissections. Identifiers: Orphanet 91387, MedGen C4707243, MONDO:0019625.

Allele frequency attached by ClinVar (database versions not stated): gnomAD 0.00001; TOPMed 0.00001.
gnomAD v4.1: 1 of 1,614,036 alleles (0.000062%); highest among the groups gnomAD compares: Non-Finnish European, 0.000085%; no homozygotes.

Submission:

Color Diagnostics, LLC DBA Color Health
Classification: Uncertain significance for Familial thoracic aortic aneurysm and aortic dissection. Last evaluated: 2024-03-06. Review status: criteria provided, single submitter. Criteria: ACMG Guidelines, 2015. Collection method: clinical testing. Allele origin: germline.
Comment: This missense variant replaces aspartic acid with glycine at codon 324 of the FBN1 protein. Computational prediction is inconclusive regarding the impact of this variant on protein structure and function (internally defined REVEL score threshold 0.5 < inconclusive < 0.7, PMID: 27666373). To our knowledge, functional studies have not been reported for this variant. This variant has not been reported in individuals affected with cardiovascular disorders in the literature. This variant has been identified in 1/251416 chromosomes in the general population by the Genome Aggregation Database (gnomAD). The available evidence is insufficient to determine the role of this variant in disease conclusively. Therefore, this variant is classified as a Variant of Uncertain Significance.